The following is an entry in ClinVar:

ClinVar aggregate classification (germline): Uncertain significance. Review status: criteria provided, multiple submitters, no conflicts (2 of 4 stars). 2 submissions from 2 submitters: Uncertain significance (2). Last evaluated 2025-05-24.

Conditions:
Hereditary cancer-predisposing syndrome. Also called: Tumor predisposition; Hereditary Cancer Syndrome; Hereditary neoplastic syndrome; Neoplastic Syndromes, Hereditary. Identifiers: Orphanet 140162, MedGen C0027672, MeSH D009386, MONDO:0015356.

Allele frequency attached by ClinVar (database versions not stated): ExAC 0.00001.
gnomAD v4.1: 1 of 1,614,224 alleles (0.000062%); highest among the groups gnomAD compares: Non-Finnish European, 0.000085%; no homozygotes.

Submissions (2):

Ambry Genetics
Classification: Uncertain significance for Hereditary cancer-predisposing syndrome. Last evaluated: 2025-05-24. Review status: criteria provided, single submitter. Criteria: Ambry Variant Classification Scheme 2023. Collection method: clinical testing. Allele origin: germline.
Comment: The p.S162C variant (also known as c.485C>G), located in coding exon 1 of the HOXB13 gene, results from a C to G substitution at nucleotide position 485. The serine at codon 162 is replaced by cysteine, an amino acid with dissimilar properties. This amino acid position is not well conserved in available vertebrate species. In addition, the in silico prediction for this alteration is inconclusive. Since supporting evidence is limited at this time, the clinical significance of this alteration remains unclear.

Labcorp Genetics (formerly Invitae), Labcorp
Classification: Uncertain significance. Last evaluated: 2025-02-11. Review status: criteria provided, single submitter. Criteria: Invitae Variant Classification Sherloc (09022015). Collection method: clinical testing. Allele origin: germline.
Comment: This sequence change replaces serine, which is neutral and polar, with cysteine, which is neutral and slightly polar, at codon 162 of the HOXB13 protein (p.Ser162Cys). This variant is present in population databases (rs751081605, gnomAD 0.0009%). This variant has not been reported in the literature in individuals affected with HOXB13-related conditions. ClinVar contains an entry for this variant (Variation ID: 485700). Invitae Evidence Modeling of protein sequence and biophysical properties (such as structural, functional, and spatial information, amino acid conservation, physicochemical variation, residue mobility, and thermodynamic stability) indicates that this missense variant is not expected to disrupt HOXB13 protein function with a negative predictive value of 80%. In summary, the available evidence is currently insufficient to determine the role of this variant in disease. Therefore, it has been classified as a Variant of Uncertain Significance.

NM_006361.6(HOXB13):c.485C>G (p.Ser162Cys)

Gene: HOXB13 (homeobox B13; minus strand). Cytogenetic location: 17q21.32.
Variant type: single nucleotide variant.
Coding change: c.485C>G on transcript NM_006361.6 (MANE Select); coding-DNA position 485, C replaced by G.
Protein change: p.Ser162Cys; replaces serine 162 with cysteine.
Molecular consequence: missense variant.
Genome position (GRCh38, 1-based): chr17:48,728,109, G>C on the plus strand (C>G on the coding strand, the complement: HOXB13 is on the minus strand). VCF-style: chr17-48728109-G-C. GRCh37 (hg19) VCF-style: chr17-46805471-G-C.
Other names: short protein forms S162C.
Identifiers: ClinVar variation 485700 (VCV000485700.17), dbSNP rs751081605, ClinGen allele CA8633982.
Genomic context (GRCh38, chr17:48,728,109, plus strand): 5'-ATCTGGCTGTTCCAGCCACCAGCGAGAGCCCAAGACTGGTAACTGTCCACAGGCAACAGG[G>C]AGTCATGTCGCGGTTCTCCAGGAGCACCCAGAGTCTGCACCACAGACACGTCCAGGTAAC-3'
Protein context (NP_006352.2, residues 152-172): LGAPGEPRHD[Ser162Cys]LLPVDSYQSW